The following is an entry in ClinVar:

NM_001267550.2(TTN):c.97315C>T (p.Gln32439Ter)

Genes: TTN (titin; minus strand), TTN-AS1 (TTN antisense RNA 1; plus strand). Cytogenetic location: 2q31.2.
Variant type: single nucleotide variant.
Coding change: c.97315C>T on transcript NM_001267550.2 (MANE Select); coding-DNA position 97315, C replaced by T.
Protein change: p.Gln32439Ter; replaces glutamine 32439 with a stop codon.
Molecular consequence: nonsense.
Genome position (GRCh38, 1-based): chr2:178,542,441, G>A on the plus strand (C>T on the coding strand, the complement: TTN is on the minus strand). VCF-style: chr2-178542441-G-A. GRCh37 (hg19) VCF-style: chr2-179407168-G-A.
Other names: c.92392C>T, p.Gln30798Ter (NM_001256850.1); c.70120C>T, p.Gln23374Ter (NM_003319.4); c.89611C>T, p.Gln29871Ter (NM_133378.4); c.70495C>T, p.Gln23499Ter (NM_133432.3); c.70696C>T, p.Gln23566Ter (NM_133437.4); short protein forms Q32439*, Q23374*, Q23566*, Q30798*, Q23499*, Q29871*.
Identifiers: ClinVar variation 191129 (VCV000191129.15), dbSNP rs767837705, ClinGen allele CA236076.

ClinVar aggregate classification (germline): Likely pathogenic. Review status: criteria provided, multiple submitters, no conflicts (2 of 4 stars). 4 submissions from 4 submitters: Likely pathogenic (4). Last evaluated 2025-07-02.

Conditions:
TTN-related disorder. Also called: TTN-related condition; TTN-related disease; TTN-related disorders.
Cardiovascular phenotype. Identifiers: MedGen CN230736.
Dilated cardiomyopathy 1G (CMD1G). Identifiers: Orphanet 154, MedGen C1858763, MONDO:0011400, OMIM 604145.
Autosomal recessive limb-girdle muscular dystrophy type 2J (LGMDR10). Also called: Limb-girdle muscular dystrophy, type 2J; MUSCULAR DYSTROPHY, LIMB-GIRDLE, AUTOSOMAL RECESSIVE 10. Identifiers: Orphanet 140922, MedGen C1837342, MONDO:0012127, OMIM 608807.

gnomAD v4.1: 3 of 1,613,656 alleles (0.00019%); highest among the groups gnomAD compares: South Asian, 0.0011%; no homozygotes.

Submissions (4):

Labcorp Genetics (formerly Invitae), Labcorp
Classification: Likely pathogenic for Dilated cardiomyopathy 1G; Autosomal recessive limb-girdle muscular dystrophy type 2J. Last evaluated: 2025-07-02. Review status: criteria provided, single submitter. Criteria: Invitae Variant Classification Sherloc (09022015). Collection method: clinical testing. Allele origin: germline.
Comment: This sequence change creates a premature translational stop signal (p.Gln32439*) in the TTN gene. While this is not anticipated to result in nonsense mediated decay, it is expected to create a truncated TTN protein. This variant is present in population databases (rs767837705, gnomAD 0.003%). This variant has not been reported in the literature in individuals affected with TTN-related conditions. ClinVar contains an entry for this variant (Variation ID: 191129). This variant is located in the A band of TTN (PMID: 25589632). Truncating variants in this region are significantly overrepresented in patients affected with dilated cardiomyopathy (PMID: 25589632). Truncating variants in this region have also been reported in individuals affected with autosomal recessive centronuclear myopathy (PMID: 23975875). In summary, the currently available evidence indicates that the variant is pathogenic, but additional data are needed to prove that conclusively. Therefore, this variant has been classified as Likely Pathogenic.

PreventionGenetics, part of Exact Sciences
Classification: Likely pathogenic for TTN-related condition. Last evaluated: 2024-10-17. Review status: criteria provided, single submitter. Criteria: ACMG Guidelines, 2015. Collection method: clinical testing. Allele origin: germline.
Comment: The TTN c.97315C>T variant is predicted to result in premature protein termination (p.Gln32439*). To our knowledge, this variant has not been reported in the literature and is reported in 0.0033% of alleles in individuals of South Asian descent in gnomAD. The c.97315C>T variant is located in the A-band region of the protein in which truncating TTN variants have been found more frequently in dilated cardiomyopathy patients than in controls (Herman et al. 2012. PubMed ID: 22335739). RNAseq studies from heart tissue indicate the exon including the c.97315C>T variant is commonly included in TTN mRNA transcripts (PSI of 98%-100%, Roberts et al. 2015. PubMed ID: 25589632). TTN truncating variants are reported in 1-2% of presumably healthy individuals but occur more frequently in exons with low PSI values, indicating the c.97315C>T variant is more likely to be disease causing for TTN cardiac-related disorders (Roberts et al. 2015. PubMed ID: 25589632; Herman et al. 2012. PubMed ID: 22335739). Many cases of recessive TTN-related myopathies in which the individual is compound heterozygous for two loss of function variants in TTN have also been reported (Ceyhan-Birsoy et al. 2013. PubMed ID: 23975875; Chauveau et al. 2014. PubMed ID: 24105469; Evilä et al. 2016. PubMed ID: 27796757; Ge et al. 2019. PubMed ID: 31053406; Oates et al. 2018. PubMed ID: 29691892; Bryen et al. 2020. PubMed ID: 31660661). In summary, the c.97315C>T variant is categorized as likely pathogenic. Of note, this variant is considered likely pathogenic for increased risk of TTN-related cardiac disorders, and also for autosomal recessive severe congenital titinopathies when in the presence of an additional loss-of-function TTN variant.

Ambry Genetics
Classification: Likely pathogenic for Cardiovascular phenotype. Last evaluated: 2021-12-09. Review status: criteria provided, single submitter. Criteria: Ambry Variant Classification Scheme 2023. Collection method: clinical testing. Allele origin: germline.
Comment: The p.Q23374* variant (also known as c.70120C>T), located in coding exon 176 of the TTN gene, results from a C to T substitution at nucleotide position 70120. This changes the amino acid from a glutamine to a stop codon within coding exon 176. This exon is located in the A-band region of the N2-B isoform of the titin protein and is constitutively expressed in TTN transcripts (percent spliced in or PSI 100%). This variant is considered to be rare based on population cohorts in the Genome Aggregation Database (gnomAD). This alteration is expected to result in loss of function by premature protein truncation or nonsense-mediated mRNA decay. While truncating variants in TTN are present in 1-3% of the general population, truncating variants in the A-band are the most common cause of dilated cardiomyopathy (DCM) (Herman DS et al. N. Engl. J. Med., 2012 Feb;366:619-28; Roberts AM et al. Sci Transl Med, 2015 Jan;7:270ra6). TTN truncating variants encoded in constitutive exons (PSI >90%) have been found to be significantly associated with DCM regardless of their position in titin (Schafer S et al. Nat. Genet., 2017 01;49:46-53). As such, this alteration is classified as likely pathogenic.

Genomic Medicine Center of Excellence, King Faisal Specialist Hospital and Research Centre
Classification: Likely pathogenic. Review status: criteria provided, single submitter. Criteria: ACMG Guidelines, 2015. Collection method: research. Allele origin: germline. Affected: yes.

Literature cited by the submitters: PubMed 25589632 (cited by Labcorp Genetics (formerly Invitae), Labcorp); PubMed 23975875 (cited by Labcorp Genetics (formerly Invitae), Labcorp).